The following is an entry in ClinVar:

NM_000038.6(APC):c.3716G>A (p.Arg1239Lys)

Gene: APC (APC regulator of Wnt signaling pathway; plus strand). Cytogenetic location: 5q22.2.
Variant type: single nucleotide variant.
Coding change: c.3716G>A on transcript NM_000038.6 (MANE Select); coding-DNA position 3716, G replaced by A.
Protein change: p.Arg1239Lys; replaces arginine 1239 with lysine.
Molecular consequence: missense variant.
Genome position (GRCh38, 1-based): chr5:112,839,310, G>A. VCF-style: chr5-112839310-G-A. GRCh37 (hg19) VCF-style: chr5-112175007-G-A.
Other names: c.3716G>A, p.Arg1239Lys (NM_001127510.3, NM_001354895.2); c.3662G>A, p.Arg1221Lys (NM_001127511.3); c.3770G>A, p.Arg1257Lys (NM_001354896.2); c.3746G>A, p.Arg1249Lys (NM_001354897.2); c.3641G>A, p.Arg1214Lys (NM_001354898.2); c.3632G>A, p.Arg1211Lys (NM_001354899.2); c.3593G>A, p.Arg1198Lys (NM_001354900.2); c.3539G>A, p.Arg1180Lys (NM_001354901.2); and 5 more; short protein forms R1221K, R1239K, R1148K, R1198K, R1079K, R1113K, R1138K, R1211K.
Identifiers: ClinVar variation 559947 (VCV000559947.18), dbSNP rs754067085, ClinGen allele CA036375.

ClinVar aggregate classification (germline): Uncertain significance. Review status: criteria provided, multiple submitters, no conflicts (2 of 4 stars). 8 submissions from 7 submitters: Uncertain significance (6). 2 of the submissions do not count toward it. Last evaluated 2024-06-06.

Conditions:
Classic or attenuated familial adenomatous polyposis. Identifiers: MedGen CN372698, MONDO:0021057.
Familial adenomatous polyposis 1 (FAP1). Also called: FAMILIAL ADENOMATOUS POLYPOSIS 1, ATTENUATED; POLYPOSIS, ADENOMATOUS INTESTINAL. Identifiers: MedGen C2713442, MONDO:0021056, OMIM 175100. Disease mechanism: loss of function.
Hereditary cancer-predisposing syndrome. Also called: Hereditary neoplastic syndrome; Neoplastic Syndromes, Hereditary; Tumor predisposition; Hereditary Cancer Syndrome. Identifiers: Orphanet 140162, MedGen C0027672, MeSH D009386, MONDO:0015356.
Neoplasm of the liver. Identifiers: MedGen C0023903, HP:0002896.
Colon cancer. Also called: Malignant tumor of colon. Identifiers: MedGen C0007102, MONDO:0021063, HP:0003003.

Allele frequency attached by ClinVar (database versions not stated): gnomAD exomes below 0.00001; ExAC 0.00001; TOPMed 0.00001.
gnomAD v4.1: 2 of 1,613,948 alleles (0.00012%); highest among the groups gnomAD compares: East Asian, 0.0022%; no homozygotes.

Submissions (8):

Labcorp Genetics (formerly Invitae), Labcorp
Classification: Uncertain significance for Familial adenomatous polyposis 1. Last evaluated: 2024-06-06. Review status: criteria provided, single submitter. Criteria: Invitae Variant Classification Sherloc (09022015). Collection method: clinical testing. Allele origin: germline.
Comment: This sequence change replaces arginine, which is basic and polar, with lysine, which is basic and polar, at codon 1239 of the APC protein (p.Arg1239Lys). This variant is present in population databases (rs754067085, gnomAD 0.006%). This variant has not been reported in the literature in individuals affected with APC-related conditions. ClinVar contains an entry for this variant (Variation ID: 559947). Advanced modeling of protein sequence and biophysical properties (such as structural, functional, and spatial information, amino acid conservation, physicochemical variation, residue mobility, and thermodynamic stability) performed at Invitae indicates that this missense variant is not expected to disrupt APC protein function with a negative predictive value of 95%. In summary, the available evidence is currently insufficient to determine the role of this variant in disease. Therefore, it has been classified as a Variant of Uncertain Significance.

All of Us Research Program, National Institutes of Health
Classification: Uncertain significance for Classic or attenuated familial adenomatous polyposis. Last evaluated: 2024-03-05. Review status: criteria provided, single submitter. Criteria: ACMG Guidelines, 2015. Collection method: clinical testing. Allele origin: germline. Inheritance: Autosomal dominant inheritance. Observed: 2 variant alleles, 2 heterozygotes.
Comment: This study involves interpretation of variants in research participants for the purpose of population health screening. Participant phenotype was not available at the time of variant classification. Additional details can be found in publication PMID: 35346344, PMCID: PMC8962531

Ambry Genetics
Classification: Uncertain significance for Hereditary cancer-predisposing syndrome. Last evaluated: 2023-11-01. Review status: criteria provided, single submitter. Criteria: Ambry Variant Classification Scheme 2023. Collection method: clinical testing. Allele origin: germline.
Comment: The p.R1239K variant (also known as c.3716G>A), located in coding exon 15 of the APC gene, results from a G to A substitution at nucleotide position 3716. The arginine at codon 1239 is replaced by lysine, an amino acid with highly similar properties. This amino acid position is highly conserved in available vertebrate species. In addition, in silico predictors for this gene do not accurately predict pathogenicity. Since supporting evidence is limited at this time, the clinical significance of this alteration remains unclear.

Baylor Genetics
Classification: Uncertain significance for Familial adenomatous polyposis 1. Last evaluated: 2023-06-14. Review status: criteria provided, single submitter. Criteria: ACMG Guidelines, 2015. Collection method: clinical testing. Allele origin: unknown.

GeneDx
Classification: Uncertain significance. Last evaluated: 2022-11-22. Review status: criteria provided, single submitter. Criteria: GeneDx Variant Classification Process June 2021. Collection method: clinical testing. Allele origin: germline. Affected: yes.
Comment: Not observed at significant frequency in large population cohorts (gnomAD); In silico analysis supports that this missense variant does not alter protein structure/function; Identified as a candidate variant in at least one individual with congenital heart disease (Zhou et al., 2021); This variant is associated with the following publications: (PMID: 35141295)

Color Diagnostics, LLC DBA Color Health
Classification: Uncertain significance for Hereditary cancer-predisposing syndrome. Last evaluated: 2019-06-18. Review status: criteria provided, single submitter. Criteria: ACMG Guidelines, 2015. Collection method: clinical testing. Allele origin: germline.

3DMed Clinical Laboratory Inc
Classification: Uncertain significance for Colon cancer. Last evaluated: 2017-04-12. Review status: no assertion criteria provided. Criteria: ACMG Guidelines, 2015. Collection method: clinical testing. Allele origin: germline. Affected: yes. Not counted in ClinVar's aggregate classification.

3DMed Clinical Laboratory Inc
Classification: Uncertain significance for Neoplasm of the liver. Last evaluated: 2017-04-12. Review status: no assertion criteria provided. Criteria: ACMG Guidelines, 2015. Collection method: clinical testing. Allele origin: germline. Affected: yes. Not counted in ClinVar's aggregate classification.